The following is an entry in ClinVar:

ClinVar aggregate classification (germline): Benign (1 of 4 stars; one submission).

Allele frequency attached by ClinVar (database versions not stated): 1000 Genomes Project 0.52356; 1000 Genomes Project 30x 0.53279; ExAC 0.57153; gnomAD exomes 0.58225; TOPMed 0.60341; gnomAD 0.61057; ESP Exome Variant Server 0.63325.
gnomAD v4.1: 938,710 of 1,604,604 alleles (59%); highest among the groups gnomAD compares: Middle Eastern, 71%; 279,127 homozygotes.

Submission:

Unidad de Genómica Garrahan, Hospital de Pediatría Garrahan
Classification: Benign. Last evaluated: 2024-01-24. Review status: criteria provided, single submitter. Criteria: ACMG Guidelines, 2015. Collection method: clinical testing. Allele origin: germline. Affected: no. Observed: 62 variant alleles.
Comment: This variant is classified as Benign based on local population frequency. This variant was detected in 70% of patients studied by a panel of primary immunodeficiencies. Number of patients: 62. Only high quality variants are reported.

NM_021258.4(IL22RA1):c.435A>C (p.Pro145=)

Gene: IL22RA1 (interleukin 22 receptor subunit alpha 1; minus strand). Cytogenetic location: 1p36.11.
Variant type: single nucleotide variant.
Coding change: c.435A>C on transcript NM_021258.4 (MANE Select); coding-DNA position 435, A replaced by C.
Protein change: p.Pro145=; no amino-acid change (proline 145 retained).
Molecular consequence: synonymous variant.
Genome position (GRCh38, 1-based): chr1:24,134,307, T>G on the plus strand (A>C on the coding strand, the complement: IL22RA1 is on the minus strand). VCF-style: chr1-24134307-T-G. GRCh37 (hg19) VCF-style: chr1-24460797-T-G.
Identifiers: ClinVar variation 2688374 (VCV002688374.2), dbSNP rs17852649, ClinGen allele CA689170.